The following is an entry in ClinVar:

ClinVar aggregate classification (germline): Uncertain significance (1 of 4 stars; one submission).

Conditions:
Autosomal dominant Parkinson disease 8. Also called: LRRK2-Related Parkinson Disease; Parkinson disease 8; Parkinson disease 8, susceptibility to. Identifiers: Orphanet 411602, MedGen C1846862, MONDO:0011764, OMIM 607060.

gnomAD v4.1: 1 of 1,614,062 alleles (0.000062%); highest among the groups gnomAD compares: Non-Finnish European, 0.000085%; no homozygotes.

Submission:

Labcorp Genetics (formerly Invitae), Labcorp
Classification: Uncertain significance for Autosomal dominant Parkinson disease 8. Last evaluated: 2025-02-12. Review status: criteria provided, single submitter. Criteria: Invitae Variant Classification Sherloc (09022015). Collection method: clinical testing. Allele origin: germline.
Comment: This sequence change replaces aspartic acid, which is acidic and polar, with tyrosine, which is neutral and polar, at codon 598 of the LRRK2 protein (p.Asp598Tyr). This variant is not present in population databases (gnomAD no frequency). This variant has not been reported in the literature in individuals affected with LRRK2-related conditions. Invitae Evidence Modeling of protein sequence and biophysical properties (such as structural, functional, and spatial information, amino acid conservation, physicochemical variation, residue mobility, and thermodynamic stability) has been performed for this missense variant. However, the output from this modeling did not meet the statistical confidence thresholds required to predict the impact of this variant on LRRK2 protein function. In summary, the available evidence is currently insufficient to determine the role of this variant in disease. Therefore, it has been classified as a Variant of Uncertain Significance.

NM_198578.4(LRRK2):c.1792G>T (p.Asp598Tyr)

Gene: LRRK2 (leucine rich repeat kinase 2; plus strand). Cytogenetic location: 12q12.
Variant type: single nucleotide variant.
Coding change: c.1792G>T on transcript NM_198578.4 (MANE Select); coding-DNA position 1792, G replaced by T.
Protein change: p.Asp598Tyr; replaces aspartic acid 598 with tyrosine.
Molecular consequence: missense variant.
Genome position (GRCh38, 1-based): chr12:40,274,718, G>T. VCF-style: chr12-40274718-G-T. GRCh37 (hg19) VCF-style: chr12-40668520-G-T.
Other names: short protein forms D598Y.
Identifiers: ClinVar variation 4714379 (VCV004714379.1).